The following is an entry in ClinVar:

ClinVar aggregate classification (germline): Uncertain significance (1 of 4 stars; one submission).

Allele frequency attached by ClinVar (database versions not stated): gnomAD exomes 0.00001.
gnomAD v4.1: 15 of 1,613,506 alleles (0.00093%); highest among the groups gnomAD compares: Non-Finnish European, 0.0013%; no homozygotes.

Submission:

Labcorp Genetics (formerly Invitae), Labcorp
Classification: Uncertain significance. Last evaluated: 2021-02-14. Review status: criteria provided, single submitter. Criteria: Invitae Variant Classification Sherloc (09022015). Collection method: clinical testing. Allele origin: germline.
Comment: In summary, the available evidence is currently insufficient to determine the role of this variant in disease. Therefore, it has been classified as a Variant of Uncertain Significance. Algorithms developed to predict the effect of missense changes on protein structure and function (SIFT, PolyPhen-2, Align-GVGD) all suggest that this variant is likely to be tolerated, but these predictions have not been confirmed by published functional studies and their clinical significance is uncertain. This variant has not been reported in the literature in individuals with GSN-related conditions. This variant is not present in population databases (ExAC no frequency). This sequence change replaces aspartic acid with histidine at codon 403 of the GSN protein (p.Asp403His). The aspartic acid residue is moderately conserved and there is a moderate physicochemical difference between aspartic acid and histidine.

NM_198252.3(GSN):c.1054G>C (p.Asp352His)

Gene: GSN (gelsolin; plus strand). Cytogenetic location: 9q33.2.
Variant type: single nucleotide variant.
Coding change: c.1054G>C on transcript NM_198252.3 (MANE Select); coding-DNA position 1054, G replaced by C.
Protein change: p.Asp352His; replaces aspartic acid 352 with histidine.
Molecular consequence: missense variant.
Genome position (GRCh38, 1-based): chr9:121,318,743, G>C. VCF-style: chr9-121318743-G-C. GRCh37 (hg19) VCF-style: chr9-124081021-G-C.
Other names: c.1207G>C, p.Asp403His (NM_000177.5); c.1054G>C, p.Asp352His (NM_001127662.2, NM_001127664.2, NM_001127665.2 and 10 more transcripts); c.1162G>C, p.Asp388His (NM_001127663.2); c.1087G>C, p.Asp363His (NM_001127666.2, NM_001127667.2, NM_001353066.2 and 13 more transcripts); c.1105G>C, p.Asp369His (NM_001258029.2); c.1078G>C, p.Asp360His (NM_001258030.2); c.1126G>C, p.Asp376His (NM_001353076.2); c.400G>C, p.Asp134His (NM_001353078.2); short protein forms D352H, D376H, D134H, D369H, D388H, D403H, D360H, D363H.
Identifiers: ClinVar variation 1496454 (VCV001496454.8), dbSNP rs2133678129, ClinGen allele CA374747258.
Genomic context (GRCh38, chr9:121,318,743, plus strand): 5'-GGCGGTGAGACCCCACTGTTCAAGCAGTTCTTCAAGAACTGGCGGGACCCAGACCAGACA[G>C]ATGGCCTGGGCTTGTCCTACCTTTCCAGCCATATCGCCAACGTGGAGCGGGTGCCCTTCG-3'
Protein context (NP_937895.1, residues 342-362): FKNWRDPDQT[Asp352His]GLGLSYLSSH